The following is an entry in ClinVar:

ClinVar aggregate classification (germline): Uncertain significance (1 of 4 stars; one submission).

Conditions:
Surfactant metabolism dysfunction, pulmonary, 4 (SMDP4). Also called: PULMONARY ALVEOLAR PROTEINOSIS, CONGENITAL, 4; CSF2RA DEFICIENCY; PAP DUE TO CSF2RA DEFICIENCY. Identifiers: Orphanet 264675, MedGen C2677877, MONDO:0010424, OMIM 300770.

Allele frequency attached by ClinVar (database versions not stated): gnomAD 0.00001 and 0.00003; TOPMed 0.00004; 1000 Genomes Project 30x 0.00021; 1000 Genomes Project 0.00026.
gnomAD v4.1: 95 of 1,613,366 alleles (0.0059%); highest among the groups gnomAD compares: East Asian, 0.022%; no homozygotes.

Submission:

Labcorp Genetics (formerly Invitae), Labcorp
Classification: Uncertain significance for Surfactant metabolism dysfunction, pulmonary, 4. Last evaluated: 2019-10-19. Review status: criteria provided, single submitter. Criteria: Invitae Variant Classification Sherloc (09022015). Collection method: clinical testing. Allele origin: germline.
Comment: This sequence change replaces threonine with methionine at codon 44 of the CSF2RA protein (p.Thr44Met). The threonine residue is moderately conserved and there is a moderate physicochemical difference between threonine and methionine. This variant is present in population databases (rs746211899, ExAC 0.01%). This variant has not been reported in the literature in individuals with CSF2RA-related conditions. Algorithms developed to predict the effect of missense changes on protein structure and function are either unavailable or do not agree on the potential impact of this missense change (SIFT: "Deleterious"; PolyPhen-2: "Not available"; Align-GVGD: "Class C0"). In summary, the available evidence is currently insufficient to determine the role of this variant in disease. Therefore, it has been classified as a Variant of Uncertain Significance.

NM_172245.4(CSF2RA):c.131C>T (p.Thr44Met)

Gene: CSF2RA (colony stimulating factor 2 receptor subunit alpha; plus strand). Cytogenetic location: Xp22.33.
Variant type: single nucleotide variant.
Coding change: c.131C>T on transcript NM_172245.4 (MANE Select); coding-DNA position 131, C replaced by T.
Protein change: p.Thr44Met; replaces threonine 44 with methionine.
Molecular consequence: missense variant. On other transcripts: non-coding transcript variant (1), intron variant (1).
Genome position (GRCh38, 1-based): chrX:1,285,832, C>T. VCF-style: chrX-1285832-C-T. GRCh37 (hg19) VCF-style: chrX-1404725-C-T.
Other names: c.131C>T, p.Thr44Met (NM_001161529.2, NM_001161530.2, NM_001161531.2 and 20 more transcripts); c.-180-2687C>T (NM_001161532.2); short protein forms T44M.
Identifiers: ClinVar variation 971904 (VCV000971904.1), dbSNP rs746211899, ClinGen allele CA10330677.